The following is an entry in ClinVar:

ClinVar aggregate classification (germline): Uncertain significance (1 of 4 stars; one submission).

Conditions:
SEMA3B-related disorder. Also called: SEMA3B-related condition.

gnomAD v4.1: 49 of 1,571,280 alleles (0.0031%); highest among the groups gnomAD compares: Non-Finnish European, 0.0041%; no homozygotes.

Submission:

PreventionGenetics, part of Exact Sciences
Classification: Uncertain significance for SEMA3B-related condition. Last evaluated: 2026-02-17. Review status: criteria provided, single submitter. Criteria: ACMG Guidelines, 2015. Collection method: clinical testing. Allele origin: germline.
Comment: The SEMA3B c.2227C>T variant is predicted to result in the amino acid substitution p.Arg743Cys. To our knowledge, this variant has not been reported in the literature. This variant is reported in 0.0048% of alleles in individuals of European (Non-Finnish) descent in gnomAD. At this time, the clinical significance of this variant is uncertain due to the absence of conclusive functional and genetic evidence.

NM_001290060.2(SEMA3B):c.2212C>T (p.Arg738Cys)

Gene: SEMA3B (semaphorin 3B; plus strand). Cytogenetic location: 3p21.31.
Variant type: single nucleotide variant.
Coding change: c.2212C>T on transcript NM_001290060.2 (MANE Select); coding-DNA position 2212, C replaced by T.
Protein change: p.Arg738Cys; replaces arginine 738 with cysteine.
Molecular consequence: missense variant. On other transcripts: non-coding transcript variant (1).
Genome position (GRCh38, 1-based): chr3:50,276,668, C>T. VCF-style: chr3-50276668-C-T. GRCh37 (hg19) VCF-style: chr3-50314099-C-T.
Other names: c.2209C>T, p.Arg737Cys (NM_001005914.3); c.2227C>T, p.Arg743Cys (NM_001290061.1); c.1183C>T, p.Arg395Cys (NM_001290062.2, NM_001290063.2); c.2212C>T, p.Arg738Cys (NM_004636.4); short protein forms R395C, R737C, R738C, R743C.
Identifiers: ClinVar variation 3357835 (VCV003357835.2).